The following is an entry in ClinVar:

NM_000878.5(IL2RB):c.1108C>T (p.Pro370Ser)

Gene: IL2RB (interleukin 2 receptor subunit beta; minus strand). Cytogenetic location: 22q12.3.
Variant type: single nucleotide variant.
Coding change: c.1108C>T on transcript NM_000878.5 (MANE Select); coding-DNA position 1108, C replaced by T.
Protein change: p.Pro370Ser; replaces proline 370 with serine.
Molecular consequence: missense variant.
Genome position (GRCh38, 1-based): chr22:37,128,644, G>A on the plus strand (C>T on the coding strand, the complement: IL2RB is on the minus strand). VCF-style: chr22-37128644-G-A. GRCh37 (hg19) VCF-style: chr22-37524684-G-A.
Other names: c.1108C>T, p.Pro370Ser (NM_001346222.1, NM_001346223.2); short protein forms P370S.
Identifiers: ClinVar variation 3607547 (VCV003607547.1).
Genomic context (GRCh38, chr22:37,128,644, plus strand): 5'-CCTCTGAGTAGGGGTCGTAAGTAAAGTACACCTGGCAGGCCTCTATCTCCAAGGCATCCG[G>A]GAGGTGGAAGAAGAAGTAACCCTGGTTGGTGAAGCAGCTGGTCAGCGAGTGGTTGCTGCT-3'
Protein context (NP_000869.1, residues 360-380): TNQGYFFFHL[Pro370Ser]DALEIEACQV

ClinVar aggregate classification (germline): Uncertain significance (1 of 4 stars; one submission).

gnomAD v4.1: 1 of 1,614,158 alleles (0.000062%); no homozygotes.

Submission:

Labcorp Genetics (formerly Invitae), Labcorp
Classification: Uncertain significance. Last evaluated: 2024-11-27. Review status: criteria provided, single submitter. Criteria: Invitae Variant Classification Sherloc (09022015). Collection method: clinical testing. Allele origin: germline.
Comment: This sequence change replaces proline, which is neutral and non-polar, with serine, which is neutral and polar, at codon 370 of the IL2RB protein (p.Pro370Ser). This variant is present in population databases (rs760230452, gnomAD 0.006%). This variant has not been reported in the literature in individuals affected with IL2RB-related conditions. An algorithm developed to predict the effect of missense changes on protein structure and function (PolyPhen-2) suggests that this variant is likely to be disruptive. In summary, the available evidence is currently insufficient to determine the role of this variant in disease. Therefore, it has been classified as a Variant of Uncertain Significance.